The following is an entry in ClinVar:

NM_000268.4(NF2):c.368del (p.Lys123fs)

Gene: NF2 (NF2, moesin-ezrin-radixin like (MERLIN) tumor suppressor; plus strand). Cytogenetic location: 22q12.2.
Variant type: Deletion.
Coding change: c.368del on transcript NM_000268.4 (MANE Select); coding-DNA position 368, one base deleted (A; older notation c.368delA).
Protein change: p.Lys123fs; shifts the reading frame from lysine 123.
Molecular consequence: frameshift variant. On other transcripts: 5 prime UTR variant (1), non-coding transcript variant (1).
Genome position (GRCh38, 1-based): chr22:29,642,206, A deleted; the last of 3 consecutive A bases (chr22:29,642,204-29,642,206); deleting any one gives the same sequence. VCF-style (leftmost placement, unchanged base first): chr22-29642203-TA-T. GRCh37 (hg19) VCF-style: chr22-30038192-TA-T.
Other names: c.254del, p.Lys85fs (NM_001407053.1, NM_001407056.1); c.245del, p.Lys82fs (NM_001407054.1, NM_001407058.1, NM_001407062.1 and 1 more transcripts); c.242del, p.Lys81fs (NM_001407055.1, NM_181828.3); c.368del, p.Lys123fs (NM_001407057.1, NM_001407059.1, NM_001407060.1 and 5 more transcripts); c.119del, p.Lys40fs (NM_001407063.1, NM_001407064.1, NM_181830.3 and 1 more transcripts); c.-273del (NM_001407065.1); c.137del, p.Lys46fs (NM_001407067.1); short protein forms K123fs, K40fs, K46fs, K81fs, K82fs, K85fs.
Identifiers: ClinVar variation 3776240 (VCV003776240.1).

ClinVar aggregate classification (germline): Likely pathogenic (1 of 4 stars; one submission).

Conditions:
Neurofibromatosis, type 2 (SWNV). Also called: NF2-Related Schwannomatosis; SCHWANNOMATOSIS, VESTIBULAR; BILATERAL ACOUSTIC NEUROFIBROMATOSIS. Identifiers: Orphanet 637, MedGen C0027832, MONDO:0007039, OMIM 101000. Disease mechanism: loss of function.

Submission:

3billion
Classification: Likely pathogenic for Neurofibromatosis, type 2. Last evaluated: 2023-10-19. Review status: criteria provided, single submitter. Criteria: ACMG Guidelines, 2015. Collection method: clinical testing. Allele origin: germline. Affected: yes.
Comment: The variant is not observed in the gnomAD v2.1.1 dataset. Predicted Consequence/Location: Frameshift: predicted to result in a loss or disruption of normal protein function through nonsense-mediated decay (NMD) or protein truncation. Multiple pathogenic variants are reported downstream of the variant. Therefore, this variant is classified as Likely pathogenic according to the recommendation of ACMG/AMP guideline.